The following is an entry in ClinVar:

ClinVar aggregate classification (germline): Pathogenic (1 of 4 stars; one submission).

Allele frequency attached by ClinVar (database versions not stated): gnomAD 0.00001; TOPMed 0.00001; gnomAD exomes 0.00002; ExAC 0.00005.
gnomAD v4.1: 27 of 1,613,696 alleles (0.0017%); highest among the groups gnomAD compares: Non-Finnish European, 0.0021%; no homozygotes.

Submission:

Labcorp Genetics (formerly Invitae), Labcorp
Classification: Pathogenic. Last evaluated: 2023-04-06. Review status: criteria provided, single submitter. Criteria: Invitae Variant Classification Sherloc (09022015). Collection method: clinical testing. Allele origin: germline.
Comment: This variant is present in population databases (rs782220518, gnomAD 0.005%). This variant has not been reported in the literature in individuals affected with DGAT1-related conditions. ClinVar contains an entry for this variant (Variation ID: 1973965). For these reasons, this variant has been classified as Pathogenic. This sequence change creates a premature translational stop signal (p.Trp340*) in the DGAT1 gene. It is expected to result in an absent or disrupted protein product. Loss-of-function variants in DGAT1 are known to be pathogenic (PMID: 29604290).

Literature cited by the submitters: PubMed 29604290.

NM_012079.6(DGAT1):c.1020G>A (p.Trp340Ter)

Genes: DGAT1 (diacylglycerol O-acyltransferase 1; minus strand), LOC130001383 (ATAC-STARR-seq lymphoblastoid active region 28093; plus strand). Cytogenetic location: 8q24.3.
Variant type: single nucleotide variant.
Coding change: c.1020G>A on transcript NM_012079.6 (MANE Select); coding-DNA position 1020, G replaced by A.
Protein change: p.Trp340Ter; replaces tryptophan 340 with a stop codon.
Molecular consequence: nonsense.
Genome position (GRCh38, 1-based): chr8:144,317,407, C>T on the plus strand (G>A on the coding strand, the complement: DGAT1 is on the minus strand). VCF-style: chr8-144317407-C-T. GRCh37 (hg19) VCF-style: chr8-145541070-C-T.
Other names: short protein forms W340*.
Identifiers: ClinVar variation 1973965 (VCV001973965.5), dbSNP rs782220518, ClinGen allele CA4936701.